The following is an entry in ClinVar:

ClinVar aggregate classification (germline): Benign/Likely benign. Review status: criteria provided, multiple submitters, no conflicts (2 of 4 stars). 6 submissions from 6 submitters: Benign (1); Likely benign (5). Last evaluated 2025-12-09.

Conditions:
Hereditary cancer-predisposing syndrome. Also called: Hereditary neoplastic syndrome; Neoplastic Syndromes, Hereditary; Tumor predisposition; Hereditary Cancer Syndrome. Identifiers: Orphanet 140162, MedGen C0027672, MeSH D009386, MONDO:0015356.
Familial cancer of breast. Also called: BREAST CANCER, FAMILIAL; Hereditary breast cancer; hereditary breast carcinoma. Identifiers: Orphanet 227535, MedGen C0346153, MONDO:0016419, OMIM 114480. Disease mechanism: loss of function.

Allele frequency attached by ClinVar (database versions not stated): TOPMed below 0.00001; gnomAD 0.00001.
gnomAD v4.1: 2 of 1,589,118 alleles (0.00013%); highest among the groups gnomAD compares: African/African-American, 0.0013%; no homozygotes.

Submissions (6):

Labcorp Genetics (formerly Invitae), Labcorp
Classification: Likely benign for Familial cancer of breast. Last evaluated: 2025-12-09. Review status: criteria provided, single submitter. Criteria: Invitae Variant Classification Sherloc (09022015). Collection method: clinical testing. Allele origin: germline.

Quest Diagnostics Nichols Institute San Juan Capistrano
Classification: Likely benign. Last evaluated: 2025-01-17. Review status: criteria provided, single submitter. Criteria: Quest Diagnostics criteria. Collection method: clinical testing. Allele origin: unknown.

Myriad Genetics, Inc.
Classification: Benign for Familial cancer of breast. Last evaluated: 2024-07-18. Review status: criteria provided, single submitter. Criteria: Myriad Autosomal Dominant, Autosomal Recessive and X-Linked Classification Criteria (2023). Collection method: clinical testing. Allele origin: unknown.
Comment: This variant is considered benign. This variant is a silent/synonymous amino acid change and it is not expected to impact splicing.

Color Diagnostics, LLC DBA Color Health
Classification: Likely benign for Hereditary cancer-predisposing syndrome. Last evaluated: 2021-06-02. Review status: criteria provided, single submitter. Criteria: ACMG Guidelines, 2015. Collection method: clinical testing. Allele origin: germline.

Ambry Genetics
Classification: Likely benign for Hereditary cancer-predisposing syndrome. Last evaluated: 2018-10-10. Review status: criteria provided, single submitter. Criteria: Ambry Variant Classification Scheme 2023. Collection method: clinical testing. Allele origin: germline.

GeneDx
Classification: Likely benign. Last evaluated: 2015-12-15. Review status: criteria provided, single submitter. Criteria: GeneDx Variant Classification (06012015). Collection method: clinical testing. Allele origin: germline. Affected: yes.
Comment: This variant is considered likely benign or benign based on one or more of the following criteria: it is a conservative change, it occurs at a poorly conserved position in the protein, it is predicted to be benign by multiple in silico algorithms, and/or has population frequency not consistent with disease.

NM_000465.4(BARD1):c.45C>T (p.Arg15=)

Gene: BARD1 (BRCA1 associated RING domain 1; minus strand). Cytogenetic location: 2q35.
Variant type: single nucleotide variant.
Coding change: c.45C>T on transcript NM_000465.4 (MANE Select); coding-DNA position 45, C replaced by T.
Protein change: p.Arg15=; no amino-acid change (arginine 15 retained).
Molecular consequence: synonymous variant. On other transcripts: non-coding transcript variant (3).
Genome position (GRCh38, 1-based): chr2:214,809,525, G>A on the plus strand (C>T on the coding strand, the complement: BARD1 is on the minus strand). VCF-style: chr2-214809525-G-A. GRCh37 (hg19) VCF-style: chr2-215674249-G-A.
Other names: c.45C>T, p.Arg15= (NM_001282543.2, NM_001282545.2, NM_001282548.2 and 1 more transcripts).
Identifiers: ClinVar variation 184322 (VCV000184322.21), dbSNP rs786201402, ClinGen allele CA188597.